The following is an entry in ClinVar:

ClinVar aggregate classification (germline): Likely benign (1 of 4 stars; one submission).

Allele frequency attached by ClinVar (database versions not stated): gnomAD exomes below 0.00001; gnomAD 0.00001; TOPMed 0.00001; 1000 Genomes Project 30x 0.00016.

Submission:

CeGaT Center for Human Genetics Tuebingen
Classification: Likely benign. Last evaluated: 2023-09-01. Review status: criteria provided, single submitter. Criteria: CeGaT Center For Human Genetics Tuebingen Variant Classification Criteria Version 2. Collection method: clinical testing. Allele origin: germline. Affected: yes. Observed: 1 variant allele.
Comment: IRF2BPL: BP4, BP7

NM_024496.4(IRF2BPL):c.1728G>A (p.Ala576=)

Gene: IRF2BPL (interferon regulatory factor 2 binding protein like; minus strand). Cytogenetic location: 14q24.3.
Variant type: single nucleotide variant.
Coding change: c.1728G>A on transcript NM_024496.4 (MANE Select); coding-DNA position 1728, G replaced by A.
Protein change: p.Ala576=; no amino-acid change (alanine 576 retained).
Molecular consequence: synonymous variant.
Genome position (GRCh38, 1-based): chr14:77,026,065, C>T on the plus strand (G>A on the coding strand, the complement: IRF2BPL is on the minus strand). VCF-style: chr14-77026065-C-T. GRCh37 (hg19) VCF-style: chr14-77492408-C-T.
Identifiers: ClinVar variation 2582924 (VCV002582924.25), dbSNP rs1396553265, ClinGen allele CA487507228.